The following is an entry in ClinVar:

ClinVar aggregate classification (germline): Likely benign. Review status: criteria provided, single submitter (1 of 4 stars). 2 submissions from 2 submitters: Likely benign (1). 1 of the submissions does not count toward it. Last evaluated 2026-03-01.

Conditions:
FGF5-related disorder. Also called: FGF5-related condition.

Allele frequency attached by ClinVar (database versions not stated): 1000 Genomes Project 30x 0.00016; ExAC 0.00018; TOPMed 0.00025; gnomAD 0.00028; ESP Exome Variant Server 0.00038; gnomAD exomes 0.00043.
gnomAD v4.1: 687 of 1,614,256 alleles (0.043%); highest among the groups gnomAD compares: Non-Finnish European, 0.053%; no homozygotes.

Submissions (2):

CeGaT Center for Human Genetics Tuebingen
Classification: Likely benign. Last evaluated: 2026-03-01. Review status: criteria provided, single submitter. Criteria: CeGaT Center For Human Genetics Tuebingen Variant Classification Criteria Version 2. Collection method: clinical testing. Allele origin: germline. Affected: yes. Observed: 1 variant allele.
Comment: FGF5: BP4, BP7

PreventionGenetics, part of Exact Sciences
Classification: Likely benign for FGF5-related condition. Last evaluated: 2019-10-28. Review status: no assertion criteria provided. Collection method: clinical testing. Allele origin: germline. Not counted in ClinVar's aggregate classification.
Comment: This variant is classified as likely benign based on ACMG/AMP sequence variant interpretation guidelines (Richards et al. 2015 PMID: 25741868, with internal and published modifications).

NM_004464.4(FGF5):c.207C>T (p.Ser69=)

Gene: FGF5 (fibroblast growth factor 5; plus strand). Cytogenetic location: 4q21.21.
Variant type: single nucleotide variant.
Coding change: c.207C>T on transcript NM_004464.4 (MANE Select); coding-DNA position 207, C replaced by T.
Protein change: p.Ser69=; no amino-acid change (serine 69 retained).
Molecular consequence: synonymous variant.
Genome position (GRCh38, 1-based): chr4:80,267,031, C>T. VCF-style: chr4-80267031-C-T. GRCh37 (hg19) VCF-style: chr4-81188185-C-T.
Other names: c.207C>T, p.Ser69= (NM_033143.2).
Identifiers: ClinVar variation 3045141 (VCV003045141.6), dbSNP rs35626275, ClinGen allele CA2982575.